The following is an entry in ClinVar:

NM_001376.5(DYNC1H1):c.4348C>G (p.Leu1450Val)

Gene: DYNC1H1 (dynein cytoplasmic 1 heavy chain 1; plus strand). Cytogenetic location: 14q32.31.
Variant type: single nucleotide variant.
Coding change: c.4348C>G on transcript NM_001376.5 (MANE Select); coding-DNA position 4348, C replaced by G.
Protein change: p.Leu1450Val; replaces leucine 1450 with valine.
Molecular consequence: missense variant.
Genome position (GRCh38, 1-based): chr14:102,001,307, C>G. VCF-style: chr14-102001307-C-G. GRCh37 (hg19) VCF-style: chr14-102467644-C-G.
Other names: short protein forms L1450V.
Identifiers: ClinVar variation 3636141 (VCV003636141.2).

ClinVar aggregate classification (germline): Uncertain significance (1 of 4 stars; one submission).

Conditions:
Charcot-Marie-Tooth disease axonal type 2O. Also called: Charcot-Marie-Tooth disease, axonal, type 20; CHARCOT-MARIE-TOOTH NEUROPATHY, AXONAL, TYPE 2O; CHARCOT-MARIE-TOOTH DISEASE, AXONAL, AUTOSOMAL DOMINANT, TYPE 2O; Charcot-Marie-Tooth Neuropathy Type 2O. Identifiers: Orphanet 284232, MedGen C3280220, MONDO:0013644, OMIM 614228.

Submission:

Labcorp Genetics (formerly Invitae), Labcorp
Classification: Uncertain significance for Charcot-Marie-Tooth disease axonal type 2O. Last evaluated: 2024-02-17. Review status: criteria provided, single submitter. Criteria: Invitae Variant Classification Sherloc (09022015). Collection method: clinical testing. Allele origin: germline.
Comment: This sequence change replaces leucine, which is neutral and non-polar, with valine, which is neutral and non-polar, at codon 1450 of the DYNC1H1 protein (p.Leu1450Val). This variant is not present in population databases (gnomAD no frequency). This variant has not been reported in the literature in individuals affected with DYNC1H1-related conditions. Advanced modeling of protein sequence and biophysical properties (such as structural, functional, and spatial information, amino acid conservation, physicochemical variation, residue mobility, and thermodynamic stability) performed at Invitae indicates that this missense variant is not expected to disrupt DYNC1H1 protein function with a negative predictive value of 95%. In summary, the available evidence is currently insufficient to determine the role of this variant in disease. Therefore, it has been classified as a Variant of Uncertain Significance.